The following is an entry in ClinVar:

NM_198576.4(AGRN):c.1255G>C (p.Val419Leu)

Gene: AGRN (agrin; plus strand). Cytogenetic location: 1p36.33.
Variant type: single nucleotide variant.
Coding change: c.1255G>C on transcript NM_198576.4 (MANE Select); coding-DNA position 1255, G replaced by C.
Protein change: p.Val419Leu; replaces valine 419 with leucine.
Molecular consequence: missense variant.
Genome position (GRCh38, 1-based): chr1:1,042,033, G>C. VCF-style: chr1-1042033-G-C. GRCh37 (hg19) VCF-style: chr1-977413-G-C.
Other names: p.Val419Leu; c.1255G>C, p.Val419Leu (NM_001305275.2); c.940G>C, p.Val314Leu (NM_001364727.2); short protein forms V314L, V419L.
Identifiers: ClinVar variation 4542330 (VCV004542330.1).

ClinVar aggregate classification (germline): Uncertain significance (1 of 4 stars; one submission).

Submission:

Mayo Clinic Laboratories, Mayo Clinic
Classification: Uncertain significance. Last evaluated: 2024-10-22. Review status: criteria provided, single submitter. Criteria: ACMG Guidelines, 2015. Collection method: clinical testing. Allele origin: germline. Observed: 1 variant allele.
Comment: BP4